The following is an entry in ClinVar:

NM_001134363.3(RBM20):c.1013T>C (p.Met338Thr)

Gene: RBM20 (RNA binding motif protein 20; plus strand). Cytogenetic location: 10q25.2.
Variant type: single nucleotide variant.
Coding change: c.1013T>C on transcript NM_001134363.3 (MANE Select); coding-DNA position 1013, T replaced by C.
Protein change: p.Met338Thr; replaces methionine 338 with threonine.
Molecular consequence: missense variant.
Genome position (GRCh38, 1-based): chr10:110,781,622, T>C. VCF-style: chr10-110781622-T-C. GRCh37 (hg19) VCF-style: chr10-112541380-T-C.
Other names: short protein forms M338T.
Identifiers: ClinVar variation 229181 (VCV000229181.20), dbSNP rs876657970, ClinGen allele CA10576760.

ClinVar aggregate classification (germline): Conflicting classifications of pathogenicity. Review status: criteria provided, conflicting classifications (1 of 4 stars). 5 submissions from 5 submitters: Uncertain significance (2); Likely benign (2). 1 of the submissions does not count toward it. Last evaluated 2026-01-27.

Conditions:
Cardiovascular phenotype. Identifiers: MedGen CN230736.
Primary dilated cardiomyopathy (DCM). Also called: Dilated Cardiomyopathy. Identifiers: Orphanet 217604, MedGen C0007193, MeSH D002311, MONDO:0005021, HP:0001644. Inheritance: Various modes of inheritance.
Dilated cardiomyopathy 1DD (CMD1DD). Identifiers: Orphanet 154, MedGen C2750995, MONDO:0013168, OMIM 613172.

Allele frequency attached by ClinVar (database versions not stated): gnomAD exomes 0.00001 and 0.00002.
gnomAD v4.1: 23 of 1,550,422 alleles (0.0015%); highest among the groups gnomAD compares: Non-Finnish European, 0.0018%; no homozygotes.

Submissions (5):

Labcorp Genetics (formerly Invitae), Labcorp
Classification: Likely benign for Dilated cardiomyopathy 1DD. Last evaluated: 2026-01-27. Review status: criteria provided, single submitter. Criteria: Invitae Variant Classification Sherloc (09022015). Collection method: clinical testing. Allele origin: germline.

Ambry Genetics
Classification: Uncertain significance for Cardiovascular phenotype. Last evaluated: 2025-10-05. Review status: criteria provided, single submitter. Criteria: Ambry Variant Classification Scheme 2023. Collection method: clinical testing. Allele origin: germline.
Comment: The p.M338T variant (also known as c.1013T>C), located in coding exon 2 of the RBM20 gene, results from a T to C substitution at nucleotide position 1013. The methionine at codon 338 is replaced by threonine, an amino acid with similar properties. This variant co-occurred with a TTN A-band truncating variant and variants in other cardiac-related genes in two affected individuals from a family with dilated cardiomyopathy (Cowan JR et al. Circ Genom Precis Med, 2018 Jul;11:e002038). This amino acid position is well conserved in available vertebrate species. In addition, this alteration is predicted to be tolerated by in silico analysis. Since supporting evidence is limited at this time, the clinical significance of this alteration remains unclear.

Center for Advanced Laboratory Medicine, UC San Diego Health, University of California San Diego
Classification: Likely benign for Dilated cardiomyopathy. Last evaluated: 2019-05-14. Review status: criteria provided, single submitter. Criteria: ACMG Guidelines, 2015. Collection method: clinical testing. Allele origin: germline. Affected: yes. Observed: 1 variant allele.

Laboratory for Molecular Medicine, Mass General Brigham Personalized Medicine
Classification: Uncertain significance. Last evaluated: 2015-06-22. Review status: criteria provided, single submitter. Criteria: LMM Criteria. Collection method: clinical testing. Allele origin: germline. Observed: 1 variant allele.
Comment: The p.Met338Thr variant in RBM20 has not been previously reported in individuals with cardiomyopathy and was absent from large population studies. Computational prediction tools and conservation analysis suggest that the p.Met338Thr variant may not impact the protein, though this information is not predictive enough to rule out pathogenicity. In summary, the clinical significance of the p.Met338Th r variant is uncertain.

University of Washington Center for Mendelian Genomics, University of Washington
Classification: Uncertain significance for Dilated Cardiomyopathy. Review status: no assertion criteria provided. Collection method: research. Allele origin: inherited. Affected: yes. Not counted in ClinVar's aggregate classification.

Literature cited by the submitters: PubMed 30012837 (cited by Ambry Genetics and University of Washington Center for Mendelian Genomics, University of Washington).